The following is an entry in ClinVar:

ClinVar aggregate classification (germline): Conflicting classifications of pathogenicity. Review status: criteria provided, conflicting classifications (1 of 4 stars). 4 submissions from 4 submitters: Uncertain significance (2); Likely benign (2). Last evaluated 2025-06-04.

Conditions:
Seizures, benign familial infantile, 3 (BFIS3). Also called: CONVULSIONS, BENIGN FAMILIAL INFANTILE, 3; Familial neonatal seizures. Identifiers: Orphanet 140927, Orphanet 306, MedGen C1843140, MONDO:0011904, OMIM 607745.
Developmental and epileptic encephalopathy, 11 (DEE11). Also called: Early infantile epileptic encephalopathy 11. Identifiers: Orphanet 1934, MedGen C3150987, MONDO:0013388, OMIM 613721.
Inborn genetic diseases. Identifiers: MedGen C0950123, MeSH D030342.

Allele frequency attached by ClinVar (database versions not stated): gnomAD 0.00001; gnomAD exomes 0.00004; ExAC 0.00005; 1000 Genomes Project 30x 0.00031; 1000 Genomes Project 0.00040.
gnomAD v4.1: 46 of 1,614,046 alleles (0.0028%); highest among the groups gnomAD compares: South Asian, 0.025%; 2 homozygotes.

Submissions (4):

Labcorp Genetics (formerly Invitae), Labcorp
Classification: Likely benign for Seizures, benign familial infantile, 3; Developmental and epileptic encephalopathy, 11. Last evaluated: 2025-06-04. Review status: criteria provided, single submitter. Criteria: Invitae Variant Classification Sherloc (09022015). Collection method: clinical testing. Allele origin: germline.

Ambry Genetics
Classification: Likely benign for Inborn genetic diseases. Last evaluated: 2018-07-12. Review status: criteria provided, single submitter. Criteria: Ambry Variant Classification Scheme 2023. Collection method: clinical testing. Allele origin: germline.

Illumina Laboratory Services, Illumina
Classification: Uncertain significance for Seizures, benign familial infantile, 3. Last evaluated: 2018-01-12. Review status: criteria provided, single submitter. Criteria: ICSL Variant Classification Criteria 13 December 2019. Collection method: clinical testing. Allele origin: germline.

GeneDx
Classification: Uncertain significance. Last evaluated: 2014-08-04. Review status: criteria provided, single submitter. Criteria: GeneDx Variant Classification (06012015). Collection method: clinical testing. Allele origin: germline. Affected: yes.
Comment: p.Ala647Thr (GCT>ACT): c.1939 G>A in exon 12 of the SCN2A gene (NM_021007.2). A variant of unknown significance has been identified in the SCN2A gene. The A647T variant has not been published as a mutation, nor has it been reported as a benign polymorphism to our knowledge. It was not observed in approximately 6,500 individuals of European and African American ancestry in the NHLBI Exome Sequencing Project, indicating it is not a common benign variant in these populations. The A647T variant is a non-conservative amino acid substitution, which is likely to impact secondary protein structure as these residues differ in polarity, charge, size and/or other properties. The variant alters a position in the cytoplasmic loop between the 1st and 2nd homologous domains of the SCN2A protein (Shi et al., 2012). A missense mutation in a nearby residue (D649N) has been reported in association with Dravet syndrome, supporting the functional importance of this region of the protein. The A647T substitution occurs at a position that is conserved in mammals; however, Threonine is observed at this position in more distantly related species. In silico analysis is inconsistent in its predictions as to whether or not the this variant is damaging to the protein structure/function. Therefore, based on the currently available information, it is unclear whether the A647T variant is a pathogenic mutation or a rare benign variant. The variant is found in EPILEPSY,INFANT-EPI panel(s).

NM_001040142.2(SCN2A):c.1939G>A (p.Ala647Thr)

Gene: SCN2A (sodium voltage-gated channel alpha subunit 2; plus strand). Cytogenetic location: 2q24.3.
Variant type: single nucleotide variant.
Coding change: c.1939G>A on transcript NM_001040142.2 (MANE Select); coding-DNA position 1939, G replaced by A.
Protein change: p.Ala647Thr; replaces alanine 647 with threonine.
Molecular consequence: missense variant.
Genome position (GRCh38, 1-based): chr2:165,323,423, G>A. VCF-style: chr2-165323423-G-A. GRCh37 (hg19) VCF-style: chr2-166179933-G-A.
Other names: p.A647T:GCT>ACT; c.1939G>A, p.Ala647Thr (NM_001040143.2, NM_001371246.1, NM_001371247.1 and 1 more transcripts); short protein forms A647T.
Identifiers: ClinVar variation 207068 (VCV000207068.13), dbSNP rs548056312, ClinGen allele CA318156.